The following is an entry in ClinVar:

NM_003476.5(CSRP3):c.509-201C>T

Gene: CSRP3 (cysteine and glycine rich protein 3; minus strand). Cytogenetic location: 11p15.1.
Variant type: single nucleotide variant.
Coding change: c.509-201C>T on transcript NM_003476.5 (MANE Select); 201 bases into the intron before coding-DNA position 509, C replaced by T.
Molecular consequence: intron variant.
Genome position (GRCh38, 1-based): chr11:19,182,947, G>A on the plus strand (C>T on the coding strand, the complement: CSRP3 is on the minus strand). VCF-style: chr11-19182947-G-A. GRCh37 (hg19) VCF-style: chr11-19204494-G-A.
Other names: c.340-201C>T (NM_001369404.1).
Identifiers: ClinVar variation 675629 (VCV000675629.1), dbSNP rs11025046, ClinGen allele CA218632060.

ClinVar aggregate classification (germline): Benign (1 of 4 stars; one submission).

Allele frequency attached by ClinVar (database versions not stated): gnomAD 0.03169 and 0.03387; TOPMed 0.03641; 1000 Genomes Project 30x 0.03732; 1000 Genomes Project 0.03734.

Submission:

GeneDx
Classification: Benign. Last evaluated: 2018-06-14. Review status: criteria provided, single submitter. Criteria: GeneDx Variant Classification (06012015). Collection method: clinical testing. Allele origin: germline. Affected: yes.
Comment: This variant is considered likely benign or benign based on one or more of the following criteria: it is a conservative change, it occurs at a poorly conserved position in the protein, it is predicted to be benign by multiple in silico algorithms, and/or has population frequency not consistent with disease.